The following is an entry in ClinVar:

NM_001386795.1(DTNA):c.1253+130G>A

Gene: DTNA (dystrobrevin alpha; plus strand). Cytogenetic location: 18q12.1.
Variant type: single nucleotide variant.
Coding change: c.1253+130G>A on transcript NM_001386795.1 (MANE Select); 130 bases into the intron after coding-DNA position 1253, G replaced by A.
Molecular consequence: intron variant.
Genome position (GRCh38, 1-based): chr18:34,838,301, G>A. VCF-style: chr18-34838301-G-A. GRCh37 (hg19) VCF-style: chr18-32418265-G-A.
Other names: c.1095-9995G>A (NM_032975.4, NM_001386761.1, NM_001386762.1 and 1 more transcripts); c.1175+8812G>A (NM_001386754.1, NM_001386755.1, NM_001386760.1 and 5 more transcripts); c.1086-9995G>A (NM_001386763.1, NM_001386764.1, NM_001386768.1 and 13 more transcripts); c.604-13530G>A (NM_001198945.2); c.1253+130G>A (NM_001386788.1); c.1163+130G>A (NM_032978.7); c.1172+130G>A (NM_001390.5, NM_001391.5); c.336-9995G>A (NM_001198943.1); and 4 more.
Identifiers: ClinVar variation 672656 (VCV000672656.2), dbSNP rs1954861, ClinGen allele CA14608637.
Genomic context (GRCh38, chr18:34,838,301, plus strand): 5'-AAATGCTTTGTGTGTGAAAGACTGTCTTTGATTCAGTAAAAGCAGCTCTGCTTTAACCCA[G>A]TTAACAGCACTAAGTAGTTATTTCCAGTAGACACATCTGTGTTGTTATTCACTTTCCCGA-3'

ClinVar aggregate classification (germline): Benign. Review status: criteria provided, multiple submitters, no conflicts (2 of 4 stars). 2 submissions from 2 submitters: Benign (2). Last evaluated 2018-06-15.

Allele frequency attached by ClinVar (database versions not stated): gnomAD exomes 0.25227; 1000 Genomes Project 0.26018; 1000 Genomes Project 30x 0.26686; TOPMed 0.29504; gnomAD 0.29731 and 0.30301.
gnomAD v4.1: 241,730 of 931,382 alleles (26%); highest among the groups gnomAD compares: African/African-American, 44%; 33,732 homozygotes.

Submissions (2):

GeneDx
Classification: Benign. Last evaluated: 2018-06-15. Review status: criteria provided, single submitter. Criteria: GeneDx Variant Classification (06012015). Collection method: clinical testing. Allele origin: germline. Affected: yes.
Comment: This variant is considered likely benign or benign based on one or more of the following criteria: it is a conservative change, it occurs at a poorly conserved position in the protein, it is predicted to be benign by multiple in silico algorithms, and/or has population frequency not consistent with disease.

Breakthrough Genomics
Classification: Benign. Review status: criteria provided, single submitter. Criteria: ACMG Guidelines, 2015. Collection method: not provided. Allele origin: germline. Inheritance: Autosomal dominant inheritance. Affected: yes.